The following is an entry in ClinVar:

NM_000260.4(MYO7A):c.2836A>C (p.Met946Leu)

Gene: MYO7A (myosin VIIA; plus strand). Cytogenetic location: 11q13.5.
Variant type: single nucleotide variant.
Coding change: c.2836A>C on transcript NM_000260.4 (MANE Select); coding-DNA position 2836, A replaced by C.
Protein change: p.Met946Leu; replaces methionine 946 with leucine.
Molecular consequence: missense variant.
Genome position (GRCh38, 1-based): chr11:77,181,521, A>C. VCF-style: chr11-77181521-A-C. GRCh37 (hg19) VCF-style: chr11-76892567-A-C.
Other names: c.2836A>C, p.Met946Leu (NM_001127180.2); c.2803A>C, p.Met935Leu (NM_001369365.1); short protein forms M946L, M935L.
Identifiers: ClinVar variation 517227 (VCV000517227.9), dbSNP rs1357072694, ClinGen allele CA381943106.

ClinVar aggregate classification (germline): Uncertain significance. Review status: criteria provided, multiple submitters, no conflicts (2 of 4 stars). 4 submissions from 4 submitters: Uncertain significance (2). 2 of the submissions do not count toward it. Last evaluated 2025-04-29.

Conditions:
Usher syndrome type 1B (USH1B). Also called: Usher syndrome type IB. Identifiers: MedGen C1848638, MONDO:0700087.
MYO7A-related disorder. Also called: MYO7A-related disorders.

Allele frequency attached by ClinVar (database versions not stated): gnomAD exomes 0.00001 and below 0.00001; TOPMed below 0.00001; gnomAD 0.00001.
gnomAD v4.1: 12 of 1,613,406 alleles (0.00074%); highest among the groups gnomAD compares: Non-Finnish European, 0.00093%; no homozygotes.

Submissions (4):

Labcorp Genetics (formerly Invitae), Labcorp
Classification: Uncertain significance. Last evaluated: 2025-04-29. Review status: criteria provided, single submitter. Criteria: Invitae Variant Classification Sherloc (09022015). Collection method: clinical testing. Allele origin: germline.
Comment: This sequence change replaces methionine, which is neutral and non-polar, with leucine, which is neutral and non-polar, at codon 946 of the MYO7A protein (p.Met946Leu). This variant is present in population databases (no rsID available, gnomAD 0.002%). This variant has not been reported in the literature in individuals affected with MYO7A-related conditions. ClinVar contains an entry for this variant (Variation ID: 517227). Invitae Evidence Modeling of protein sequence and biophysical properties (such as structural, functional, and spatial information, amino acid conservation, physicochemical variation, residue mobility, and thermodynamic stability) indicates that this missense variant is not expected to disrupt MYO7A protein function with a negative predictive value of 95%. This variant disrupts the p.Met946 amino acid residue in MYO7A. Other variant(s) that disrupt this residue have been determined to be pathogenic (PMID: 24831256, 29625443). This suggests that this residue is clinically significant, and that variants that disrupt this residue are likely to be disease-causing. In summary, the available evidence is currently insufficient to determine the role of this variant in disease. Therefore, it has been classified as a Variant of Uncertain Significance.

Laboratory for Molecular Medicine, Mass General Brigham Personalized Medicine
Classification: Uncertain significance. Last evaluated: 2017-01-19. Review status: criteria provided, single submitter. Criteria: LMM Criteria. Collection method: clinical testing. Allele origin: germline. Observed: 1 variant allele.
Comment: The p.Met946Leu variant in MYO7A has not been previously reported in individuals with hearing loss or Usher syndrome, or in large population studies. Computatio nal prediction tools and conservation analyses do not provide strong support for or against an impact to the protein. In summary, the clinical significance of t he p.Met946Leu variant is uncertain.

PreventionGenetics, part of Exact Sciences
Classification: Uncertain significance for MYO7A-related condition. Last evaluated: 2024-06-05. Review status: no assertion criteria provided. Collection method: clinical testing. Allele origin: germline. Not counted in ClinVar's aggregate classification.
Comment: The MYO7A c.2836A>C variant is predicted to result in the amino acid substitution p.Met946Leu. To our knowledge, this variant has not been reported in the literature. A different substitution of this amino acid (p.Met946Arg) has been reported along with a second pathogenic variant in three patients from two unrelated families with autosomal recessive Usher syndrome (Rong et al. 2014. PubMed ID: 24831256; Jiang et al. 2015. PubMed ID: 26338283). This variant is reported in 0.0016% of alleles in individuals of European (Non-Finnish) descent in gnomAD. At this time, the clinical significance of this variant is uncertain due to the absence of conclusive functional and genetic evidence.

Natera, Inc.
Classification: Uncertain significance for Usher syndrome type 1B. Last evaluated: 2021-10-07. Review status: no assertion criteria provided. Collection method: clinical testing. Allele origin: germline. Not counted in ClinVar's aggregate classification.

Literature cited by the submitters: PubMed 24831256 (cited by Labcorp Genetics (formerly Invitae), Labcorp); PubMed 29625443 (cited by Labcorp Genetics (formerly Invitae), Labcorp).